The following is an entry in ClinVar:

NM_006662.3(SRCAP):c.5684G>C (p.Arg1895Pro)

Gene: SRCAP (Snf2 related CREBBP activator protein; plus strand). Cytogenetic location: 16p11.2.
Variant type: single nucleotide variant.
Coding change: c.5684G>C on transcript NM_006662.3 (MANE Select); coding-DNA position 5684, G replaced by C.
Protein change: p.Arg1895Pro; replaces arginine 1895 with proline.
Molecular consequence: missense variant.
Genome position (GRCh38, 1-based): chr16:30,728,991, G>C. VCF-style: chr16-30728991-G-C. GRCh37 (hg19) VCF-style: chr16-30740312-G-C.
Other names: short protein forms R1895P.
Identifiers: ClinVar variation 1965034 (VCV001965034.5), dbSNP rs763057965, ClinGen allele CA395621118.

ClinVar aggregate classification (germline): Uncertain significance (1 of 4 stars; one submission).

gnomAD v4.1: 1 of 1,613,652 alleles (0.000062%); no homozygotes.

Submission:

Labcorp Genetics (formerly Invitae), Labcorp
Classification: Uncertain significance. Last evaluated: 2022-08-17. Review status: criteria provided, single submitter. Criteria: Invitae Variant Classification Sherloc (09022015). Collection method: clinical testing. Allele origin: germline.
Comment: In summary, the available evidence is currently insufficient to determine the role of this variant in disease. Therefore, it has been classified as a Variant of Uncertain Significance. Algorithms developed to predict the effect of missense changes on protein structure and function are either unavailable or do not agree on the potential impact of this missense change (SIFT: "Deleterious"; PolyPhen-2: "Possibly Damaging"; Align-GVGD: "Class C15"). This variant has not been reported in the literature in individuals affected with SRCAP-related conditions. This variant is not present in population databases (gnomAD no frequency). This sequence change replaces arginine, which is basic and polar, with proline, which is neutral and non-polar, at codon 1895 of the SRCAP protein (p.Arg1895Pro).